The following is an entry in ClinVar:

NM_024649.5(BBS1):c.1384C>T (p.Arg462Cys)

Genes: ZDHHC24 (zDHHC palmitoyltransferase 24; minus strand), BBS1 (Bardet-Biedl syndrome 1; plus strand). Cytogenetic location: 11q13.2.
Variant type: single nucleotide variant.
Coding change: c.1384C>T on transcript NM_024649.5 (MANE Select); coding-DNA position 1384, C replaced by T.
Protein change: p.Arg462Cys; replaces arginine 462 with cysteine.
Molecular consequence: missense variant. On other transcripts: intron variant (1).
Genome position (GRCh38, 1-based): chr11:66,529,863, C>T. VCF-style: chr11-66529863-C-T. GRCh37 (hg19) VCF-style: chr11-66297334-C-T.
Other names: c.560-375G>A (NM_001348571.2); short protein forms R462C.
Identifiers: ClinVar variation 2137514 (VCV002137514.3), dbSNP rs577426256, ClinGen allele CA6123752.

ClinVar aggregate classification (germline): Uncertain significance. Review status: criteria provided, multiple submitters, no conflicts (2 of 4 stars). 3 submissions from 3 submitters: Uncertain significance (2). 1 of the submissions does not count toward it. Last evaluated 2024-03-05.

Conditions:
Bardet-Biedl syndrome (BBS). Identifiers: Orphanet 110, MedGen C0752166, MONDO:0015229.
BBS1-related disorder. Also called: BBS1-related condition.

Allele frequency attached by ClinVar (database versions not stated): 1000 Genomes Project 30x 0.00031; TOPMed 0.00001; ExAC 0.00004; 1000 Genomes Project 0.00020; gnomAD 0.00001.
gnomAD v4.1: 15 of 1,610,612 alleles (0.00093%); highest among the groups gnomAD compares: Admixed American, 0.005%; no homozygotes.

Submissions (3):

Blueprint Genetics
Classification: Uncertain significance. Last evaluated: 2024-03-05. Review status: criteria provided, single submitter. Criteria: ACMG Guidelines, 2015. Collection method: clinical testing. Allele origin: germline.

Labcorp Genetics (formerly Invitae), Labcorp
Classification: Uncertain significance for Bardet-Biedl syndrome. Last evaluated: 2022-02-20. Review status: criteria provided, single submitter. Criteria: Invitae Variant Classification Sherloc (09022015). Collection method: clinical testing. Allele origin: germline.
Comment: This sequence change replaces arginine, which is basic and polar, with cysteine, which is neutral and slightly polar, at codon 462 of the BBS1 protein (p.Arg462Cys). This variant is present in population databases (rs577426256, gnomAD 0.01%). This variant has not been reported in the literature in individuals affected with BBS1-related conditions. Algorithms developed to predict the effect of missense changes on protein structure and function are either unavailable or do not agree on the potential impact of this missense change (SIFT: "Tolerated"; PolyPhen-2: "Possibly Damaging"; Align-GVGD: "Class C15"). In summary, the available evidence is currently insufficient to determine the role of this variant in disease. Therefore, it has been classified as a Variant of Uncertain Significance.

PreventionGenetics, part of Exact Sciences
Classification: Uncertain significance for BBS1-related condition. Last evaluated: 2024-08-05. Review status: no assertion criteria provided. Collection method: clinical testing. Allele origin: germline. Not counted in ClinVar's aggregate classification.
Comment: The BBS1 c.1384C>T variant is predicted to result in the amino acid substitution p.Arg462Cys. To our knowledge, this variant has not been reported in the literature. This variant is reported in 0.0099% of alleles in individuals of Ashkenazi Jewish descent in gnomAD. At this time, the clinical significance of this variant is uncertain due to the absence of conclusive functional and genetic evidence.